The following is an entry in ClinVar:

NM_000051.4(ATM):c.7648A>G (p.Met2550Val)

Genes: ATM (ATM serine/threonine kinase; plus strand), C11orf65 (chromosome 11 open reading frame 65; minus strand). Cytogenetic location: 11q22.3.
Variant type: single nucleotide variant.
Coding change: c.7648A>G on transcript NM_000051.4 (MANE Select); coding-DNA position 7648, A replaced by G.
Protein change: p.Met2550Val; replaces methionine 2550 with valine.
Molecular consequence: missense variant. On other transcripts: intron variant (2).
Genome position (GRCh38, 1-based): chr11:108,331,897, A>G. VCF-style: chr11-108331897-A-G. GRCh37 (hg19) VCF-style: chr11-108202624-A-G.
Other names: c.7648A>G, p.Met2550Val (NM_001351834.2); c.641-22826T>C (NM_001330368.2); c.*38+3323T>C (NM_001351110.2); short protein forms M2550V.
Identifiers: ClinVar variation 236777 (VCV000236777.19), dbSNP rs878853545, ClinGen allele CA10582855.

ClinVar aggregate classification (germline): Uncertain significance. Review status: criteria provided, multiple submitters, no conflicts (2 of 4 stars). 4 submissions from 4 submitters: Uncertain significance (4). Last evaluated 2026-01-07.

Conditions:
Hereditary cancer-predisposing syndrome. Also called: Neoplastic Syndromes, Hereditary; Hereditary neoplastic syndrome; Tumor predisposition; Hereditary Cancer Syndrome. Identifiers: Orphanet 140162, MedGen C0027672, MeSH D009386, MONDO:0015356.
Ataxia-telangiectasia syndrome (AT). Also called: Ataxia telangiectasia (A-T); Cerebello-oculocutaneous telangiectasia; Immunodeficiency with ataxia telangiectasia; LOUIS-BAR SYNDROME; AT, COMPLEMENTATION GROUP C; ATAXIA-TELANGIECTASIA, FRESNO VARIANT. Identifiers: Orphanet 100, MedGen C0004135, MONDO:0008840, OMIM 208900.

Allele frequency attached by ClinVar (database versions not stated): TOPMed 0.00003; gnomAD 0.00001; gnomAD exomes below 0.00001.
gnomAD v4.1: 2 of 1,613,702 alleles (0.00012%); highest among the groups gnomAD compares: African/African-American, 0.0013%; no homozygotes.

Submissions (4):

Labcorp Genetics (formerly Invitae), Labcorp
Classification: Uncertain significance for Ataxia-telangiectasia syndrome. Last evaluated: 2026-01-07. Review status: criteria provided, single submitter. Criteria: Invitae Variant Classification Sherloc (09022015). Collection method: clinical testing. Allele origin: germline.
Comment: This sequence change replaces methionine, which is neutral and non-polar, with valine, which is neutral and non-polar, at codon 2550 of the ATM protein (p.Met2550Val). This variant is present in population databases (no rsID available, gnomAD 0.01%). This variant has not been reported in the literature in individuals affected with ATM-related conditions. ClinVar contains an entry for this variant (Variation ID: 236777). Invitae Evidence Modeling of protein sequence and biophysical properties (such as structural, functional, and spatial information, amino acid conservation, physicochemical variation, residue mobility, and thermodynamic stability) indicates that this missense variant is not expected to disrupt ATM protein function with a negative predictive value of 95%. In summary, the available evidence is currently insufficient to determine the role of this variant in disease. Therefore, it has been classified as a Variant of Uncertain Significance.

Ambry Genetics
Classification: Uncertain significance for Hereditary cancer-predisposing syndrome. Last evaluated: 2024-09-11. Review status: criteria provided, single submitter. Criteria: Ambry Variant Classification Scheme 2023. Collection method: clinical testing. Allele origin: germline.
Comment: The p.M2550V variant (also known as c.7648A>G), located in coding exon 51 of the ATM gene, results from an A to G substitution at nucleotide position 7648. The methionine at codon 2550 is replaced by valine, an amino acid with highly similar properties. This alteration has been reported in breast and prostate cancer patients (Decker B et al. J Med Genet, 2017 Nov;54:732-741; Momozawa Y et al. J Natl Cancer Inst, 2020 Apr;112:369-376). This amino acid position is not well conserved in available vertebrate species. In addition, this alteration is predicted to be tolerated by in silico analysis. Based on the available evidence, the clinical significance of this variant remains unclear.

Blueprint Genetics
Classification: Uncertain significance. Last evaluated: 2024-07-04. Review status: criteria provided, single submitter. Criteria: ACMG Guidelines, 2015. Collection method: clinical testing. Allele origin: germline.

Color Diagnostics, LLC DBA Color Health
Classification: Uncertain significance for Hereditary cancer-predisposing syndrome. Last evaluated: 2023-03-28. Review status: criteria provided, single submitter. Criteria: ACMG Guidelines, 2015. Collection method: clinical testing. Allele origin: germline.
Comment: This missense variant replaces methionine with valine at codon 2550 of the ATM protein. Computational prediction suggests that this variant may not impact protein structure and function (internally defined REVEL score threshold <= 0.5, PMID: 27666373). To our knowledge, functional studies have not been reported for this variant. This variant has not been reported in individuals affected with ATM-related disorders in the literature. This variant has been identified in 1/30968 chromosomes in the general population by the Genome Aggregation Database (gnomAD). The available evidence is insufficient to determine the role of this variant in disease conclusively. Therefore, this variant is classified as a Variant of Uncertain Significance.

Literature cited by the submitters: PubMed 28779002 (cited by Ambry Genetics); PubMed 31214711 (cited by Ambry Genetics).